The following is an entry in ClinVar:

ClinVar aggregate classification (germline): Uncertain significance (1 of 4 stars; one submission).

Conditions:
POLD1-related polyposis and colorectal cancer syndrome (CRCS10). Also called: Colorectal cancer, susceptibility to, 10; Colorectal cancer 10; COLORECTAL CANCER, SUSCEPTIBILITY TO, ON CHROMOSOME 19q. Identifiers: Orphanet 220460, MedGen C2675481, MONDO:0012953, OMIM 612591.

Submission:

Labcorp Genetics (formerly Invitae), Labcorp
Classification: Uncertain significance for POLD1-related polyposis and colorectal cancer syndrome. Last evaluated: 2022-06-03. Review status: criteria provided, single submitter. Criteria: Invitae Variant Classification Sherloc (09022015). Collection method: clinical testing. Allele origin: germline.
Comment: In summary, the available evidence is currently insufficient to determine the role of this variant in disease. Therefore, it has been classified as a Variant of Uncertain Significance. Algorithms developed to predict the effect of missense changes on protein structure and function are either unavailable or do not agree on the potential impact of this missense change (SIFT: "Deleterious"; PolyPhen-2: "Probably Damaging"; Align-GVGD: "Class C0"). ClinVar contains an entry for this variant (Variation ID: 1356122). This variant has not been reported in the literature in individuals affected with POLD1-related conditions. This variant is not present in population databases (gnomAD no frequency). This sequence change replaces asparagine, which is neutral and polar, with aspartic acid, which is acidic and polar, at codon 475 of the POLD1 protein (p.Asn475Asp).

NM_002691.4(POLD1):c.1423A>G (p.Asn475Asp)

Gene: POLD1 (DNA polymerase delta 1, catalytic subunit; plus strand). Cytogenetic location: 19q13.33.
Variant type: single nucleotide variant.
Coding change: c.1423A>G on transcript NM_002691.4 (MANE Select); coding-DNA position 1423, A replaced by G.
Protein change: p.Asn475Asp; replaces asparagine 475 with aspartic acid.
Molecular consequence: missense variant. On other transcripts: non-coding transcript variant (1).
Genome position (GRCh38, 1-based): chr19:50,406,446, A>G. VCF-style: chr19-50406446-A-G. GRCh37 (hg19) VCF-style: chr19-50909703-A-G.
Other names: c.1423A>G, p.Asn475Asp (NM_001256849.1, NM_001308632.1); short protein forms N475D.
Identifiers: ClinVar variation 1356122 (VCV001356122.6), dbSNP rs2122326869, ClinGen allele CA406980116.